The following is an entry in ClinVar:

ClinVar aggregate classification (germline): Likely benign (0 of 4 stars; one submission).

Conditions:
NAV2-related disorder. Also called: NAV2-related condition.

Allele frequency attached by ClinVar (database versions not stated): ExAC 0.00100; TOPMed 0.00111; gnomAD 0.00112; ESP Exome Variant Server 0.00154; gnomAD exomes 0.00207.
gnomAD v4.1: 3,142 of 1,613,990 alleles (0.19%); highest among the groups gnomAD compares: Non-Finnish European, 0.25%; 10 homozygotes.

Submission:

PreventionGenetics, part of Exact Sciences
Classification: Likely benign for NAV2-related condition. Last evaluated: 2023-06-08. Review status: no assertion criteria provided. Collection method: clinical testing. Allele origin: germline.
Comment: This variant is classified as likely benign based on ACMG/AMP sequence variant interpretation guidelines (Richards et al. 2015 PMID: 25741868, with internal and published modifications).

NM_145117.5(NAV2):c.2051A>C (p.Glu684Ala)

Gene: NAV2 (neuron navigator 2; plus strand). Cytogenetic location: 11p15.1.
Variant type: single nucleotide variant.
Coding change: c.2051A>C on transcript NM_145117.5 (MANE Select); coding-DNA position 2051, A replaced by C.
Protein change: p.Glu684Ala; replaces glutamic acid 684 with alanine.
Molecular consequence: missense variant.
Genome position (GRCh38, 1-based): chr11:19,939,678, A>C. VCF-style: chr11-19939678-A-C. GRCh37 (hg19) VCF-style: chr11-19961224-A-C.
Other names: c.1859A>C, p.Glu620Ala (NM_001111018.2); c.2120A>C, p.Glu707Ala (NM_001244963.2); c.2051A>C, p.Glu684Ala (NM_182964.6); short protein forms E620A, E684A, E707A.
Identifiers: ClinVar variation 3037161 (VCV003037161.2), dbSNP rs150119037, ClinGen allele CA5918024.